The following is an entry in ClinVar:

ClinVar aggregate classification (germline): Benign. Review status: criteria provided, multiple submitters, no conflicts (2 of 4 stars). 4 submissions from 4 submitters: Benign (3). 1 of the submissions does not count toward it. Last evaluated 2021-04-01.

Conditions:
PABPN1-related disorder. Also called: PABPN1-related condition.

Allele frequency attached by ClinVar (database versions not stated): gnomAD 0.01170 and 0.01026; gnomAD exomes 0.01975 and 0.01760; TOPMed 0.01046; 1000 Genomes Project 0.01478; ESP Exome Variant Server 0.00675; 1000 Genomes Project 30x 0.01374; ExAC 0.04760.
gnomAD v4.1: 25,741 of 1,514,546 alleles (1.7%); highest among the groups gnomAD compares: South Asian, 6.2%; 355 homozygotes.

Submissions (4):

GeneDx
Classification: Benign. Last evaluated: 2021-04-01. Review status: criteria provided, single submitter. Criteria: GeneDx Variant Classification Process June 2021. Collection method: clinical testing. Allele origin: germline. Affected: yes.

Eurofins Ntd Llc (ga)
Classification: Benign. Last evaluated: 2018-03-13. Review status: criteria provided, single submitter. Criteria: EGL ClinVar v180209 classification definitions. Collection method: clinical testing. Allele origin: germline. Observed: 9 variant alleles, 9 heterozygotes.

Breakthrough Genomics
Classification: Benign. Review status: criteria provided, single submitter. Criteria: ACMG Guidelines, 2015. Collection method: not provided. Allele origin: germline. Inheritance: Autosomal dominant inheritance. Affected: yes.

PreventionGenetics, part of Exact Sciences
Classification: Benign for PABPN1-related condition. Last evaluated: 2020-08-21. Review status: no assertion criteria provided. Collection method: clinical testing. Allele origin: germline. Not counted in ClinVar's aggregate classification.
Comment: This variant is classified as benign based on ACMG/AMP sequence variant interpretation guidelines (Richards et al. 2015 PMID: 25741868, with internal and published modifications).

NM_004643.4(PABPN1):c.186G>A (p.Leu62=)

Genes: BCL2L2-PABPN1 (BCL2L2-PABPN1 readthrough; plus strand), PABPN1 (poly(A) binding protein nuclear 1; plus strand). Cytogenetic location: 14q11.2.
Variant type: single nucleotide variant.
Coding change: c.186G>A on transcript NM_004643.4 (MANE Select); coding-DNA position 186, G replaced by A.
Protein change: p.Leu62=; no amino-acid change (leucine 62 retained).
Molecular consequence: synonymous variant. On other transcripts: intron variant (8).
Genome position (GRCh38, 1-based): chr14:23,321,655, G>A. VCF-style: chr14-23321655-G-A. GRCh37 (hg19) VCF-style: chr14-23790864-G-A.
Other names: c.186G>A, p.Leu62= (NM_001360551.3); c.529-526G>A (NM_001387343.1, NM_001387342.1, NM_001387344.1 and 1 more transcripts); c.433-526G>A (NM_001387345.1, NM_001387346.1, NM_001199864.3); c.550-526G>A (NM_001387340.1).
Identifiers: ClinVar variation 193289 (VCV000193289.11), dbSNP rs188436762, ClinGen allele CA200470.
Genomic context (GRCh38, chr14:23,321,655, plus strand): 5'-CGCAGGGGACTACGGGAACGGCCTGGAGTCTGAGGAACTGGAGCCTGAGGAGCTGCTGCT[G>A]GAGCCCGAGCCGGAGCCCGAGCCCGAAGAGGAGCCGCCCCGGCCCCGCGCCCCCCCGGGA-3'
Protein context (NP_004634.1, residues 52-72): SEELEPEELL[Leu62=]EPEPEPEPEE